The following is an entry in ClinVar:

ClinVar aggregate classification (germline): Benign/Likely benign. Review status: criteria provided, multiple submitters, no conflicts (2 of 4 stars). 3 submissions from 3 submitters: Benign (1); Likely benign (2). Last evaluated 2026-04-27.

Conditions:
Colorectal cancer, susceptibility to, 1. Also called: COLORECTAL ADENOMA AND CANCER, SUSCEPTIBILITY TO; COLORECTAL CANCER, SUSCEPTIBILITY TO, ON CHROMOSOME 9. Identifiers: MedGen C1837315, MONDO:0012132, OMIM 608812.

Allele frequency attached by ClinVar (database versions not stated): ExAC 0.00001; gnomAD exomes 0.00001.
gnomAD v4.1: 8 of 1,614,206 alleles (0.0005%); highest among the groups gnomAD compares: Non-Finnish European, 0.00068%; no homozygotes.

Submissions (3):

Myriad Genetics, Inc.
Classification: Benign for Colorectal cancer, susceptibility to, 1. Last evaluated: 2026-04-27. Review status: criteria provided, single submitter. Criteria: Myriad Autosomal Dominant, Autosomal Recessive and X-Linked Classification Criteria (2023). Collection method: clinical testing. Allele origin: unknown.
Comment: This variant is considered benign. This variant is a silent/synonymous amino acid change and it is not expected to impact splicing.

Labcorp Genetics (formerly Invitae), Labcorp
Classification: Likely benign. Last evaluated: 2022-12-05. Review status: criteria provided, single submitter. Criteria: Invitae Variant Classification Sherloc (09022015). Collection method: clinical testing. Allele origin: germline.

Ambry Genetics
Classification: Likely benign. Last evaluated: 2019-09-28. Review status: criteria provided, single submitter. Criteria: Ambry Variant Classification Scheme 2023. Collection method: clinical testing. Allele origin: germline.

NM_024642.5(GALNT12):c.1285T>C (p.Leu429=)

Gene: GALNT12 (polypeptide N-acetylgalactosaminyltransferase 12; plus strand). Cytogenetic location: 9q22.33.
Variant type: single nucleotide variant.
Coding change: c.1285T>C on transcript NM_024642.5 (MANE Select); coding-DNA position 1285, T replaced by C.
Protein change: p.Leu429=; no amino-acid change (leucine 429 retained).
Molecular consequence: synonymous variant.
Genome position (GRCh38, 1-based): chr9:98,840,074, T>C. VCF-style: chr9-98840074-T-C. GRCh37 (hg19) VCF-style: chr9-101602356-T-C.
Identifiers: ClinVar variation 1768962 (VCV001768962.6), dbSNP rs757157315, ClinGen allele CA5154221.